The following is an entry in ClinVar:

NM_000271.5(NPC1):c.1247A>G (p.Asp416Gly)

Gene: NPC1 (NPC intracellular cholesterol transporter 1; minus strand). Cytogenetic location: 18q11.2.
Variant type: single nucleotide variant.
Coding change: c.1247A>G on transcript NM_000271.5 (MANE Select); coding-DNA position 1247, A replaced by G.
Protein change: p.Asp416Gly; replaces aspartic acid 416 with glycine.
Molecular consequence: missense variant.
Genome position (GRCh38, 1-based): chr18:23,556,322, T>C on the plus strand (A>G on the coding strand, the complement: NPC1 is on the minus strand). VCF-style: chr18-23556322-T-C. GRCh37 (hg19) VCF-style: chr18-21136286-T-C.
Other names: short protein forms D416G.
Identifiers: ClinVar variation 2083401 (VCV002083401.1), dbSNP rs771450213, ClinGen allele CA8913510.

ClinVar aggregate classification (germline): Uncertain significance (1 of 4 stars; one submission).

Conditions:
Niemann-Pick disease, type C1. Also called: NIEMANN-PICK DISEASE, VARIANT TYPE C1; NEUROVISCERAL STORAGE DISEASE WITH VERTICAL SUPRANUCLEAR OPHTHALMOPLEGIA; NIEMANN-PICK DISEASE WITH CHOLESTEROL ESTERIFICATION BLOCK; NIEMANN-PICK DISEASE WITHOUT SPHINGOMYELINASE DEFICIENCY; NIEMANN-PICK DISEASE, CHRONIC NEURONOPATHIC FORM. Identifiers: Orphanet 646, MedGen C3179455, MONDO:0009757, OMIM 257220.

Allele frequency attached by ClinVar (database versions not stated): ExAC 0.00001; gnomAD 0.00001; gnomAD exomes 0.00001.
gnomAD v4.1: 12 of 1,613,888 alleles (0.00074%); highest among the groups gnomAD compares: Non-Finnish European, 0.001%; no homozygotes.

Submission:

Labcorp Genetics (formerly Invitae), Labcorp
Classification: Uncertain significance for Niemann-Pick disease, type C1. Last evaluated: 2021-08-26. Review status: criteria provided, single submitter. Criteria: Invitae Variant Classification Sherloc (09022015). Collection method: clinical testing. Allele origin: germline.
Comment: This sequence change replaces aspartic acid with glycine at codon 416 of the NPC1 protein (p.Asp416Gly). The aspartic acid residue is weakly conserved and there is a moderate physicochemical difference between aspartic acid and glycine. This variant is present in population databases (rs771450213, ExAC 0.001%). This variant has not been reported in the literature in individuals affected with NPC1-related conditions. Advanced modeling of protein sequence and biophysical properties (such as structural, functional, and spatial information, amino acid conservation, physicochemical variation, residue mobility, and thermodynamic stability) performed at Invitae indicates that this missense variant is not expected to disrupt NPC1 protein function. In summary, the available evidence is currently insufficient to determine the role of this variant in disease. Therefore, it has been classified as a Variant of Uncertain Significance.